The following is an entry in ClinVar:

NM_030928.4(CDT1):c.565A>G (p.Lys189Glu)

Gene: CDT1 (chromatin licensing and DNA replication factor 1; plus strand). Cytogenetic location: 16q24.3.
Variant type: single nucleotide variant.
Coding change: c.565A>G on transcript NM_030928.4 (MANE Select); coding-DNA position 565, A replaced by G.
Protein change: p.Lys189Glu; replaces lysine 189 with glutamic acid.
Molecular consequence: missense variant.
Genome position (GRCh38, 1-based): chr16:88,805,516, A>G. VCF-style: chr16-88805516-A-G. GRCh37 (hg19) VCF-style: chr16-88871924-A-G.
Other names: short protein forms K189E.
Identifiers: ClinVar variation 2110647 (VCV002110647.4), dbSNP rs2508202393, ClinGen allele CA397074613.

ClinVar aggregate classification (germline): Uncertain significance (1 of 4 stars; one submission).

Allele frequency attached by ClinVar (database versions not stated): gnomAD exomes 0.00001.

Submission:

Labcorp Genetics (formerly Invitae), Labcorp
Classification: Uncertain significance. Last evaluated: 2023-08-17. Review status: criteria provided, single submitter. Criteria: Invitae Variant Classification Sherloc (09022015). Collection method: clinical testing. Allele origin: germline.
Comment: In summary, the available evidence is currently insufficient to determine the role of this variant in disease. Therefore, it has been classified as a Variant of Uncertain Significance. An algorithm developed to predict the effect of missense changes on protein structure and function (PolyPhen-2) suggests that this variant is likely to be disruptive. ClinVar contains an entry for this variant (Variation ID: 2110647). This variant has not been reported in the literature in individuals affected with CDT1-related conditions. This variant is not present in population databases (gnomAD no frequency). This sequence change replaces lysine, which is basic and polar, with glutamic acid, which is acidic and polar, at codon 189 of the CDT1 protein (p.Lys189Glu).